The following is an entry in ClinVar:

NM_000045.4(ARG1):c.148_149insTTATGTAGTGCAAC (p.Tyr50delinsPheMetTer)

Genes: MED23 (mediator complex subunit 23; minus strand), ARG1 (arginase 1; plus strand). Cytogenetic location: 6q23.2.
Variant type: Insertion.
Coding change: c.148_149insTTATGTAGTGCAAC on transcript NM_000045.4 (MANE Select); coding-DNA positions 148 to 149, TTATGTAGTGCAAC inserted.
Protein change: p.Tyr50delinsPheMetTer.
Molecular consequence: nonsense. On other transcripts: non-coding transcript variant (1), intron variant (2).
Genome position: GRCh38 VCF-style: chr6-131579128-T-TTTATGTAGTGCAAC. GRCh37 (hg19) VCF-style: chr6-131900268-T-TTTATGTAGTGCAAC.
Other names: c.172_173insTTATGTAGTGCAAC, p.Tyr58delinsPheMetTer (NM_001244438.2); c.148_149insTTATGTAGTGCAAC, p.Tyr50delinsPheMetTer (NM_001369020.1); c.4078-4834_4078-4833insGTTGCACTACATAA (NM_001270521.2); c.4096-4834_4096-4833insGTTGCACTACATAA (NM_015979.4).
Identifiers: ClinVar variation 1724081 (VCV001724081.2), dbSNP rs2482351345, ClinGen allele CA2580075101.

ClinVar aggregate classification (germline): Likely pathogenic (1 of 4 stars; one submission).

Conditions:
Arginase deficiency. Also called: Arginase 1 Deficiency; ARGININEMIA; ARG1 DEFICIENCY. Identifiers: Orphanet 90, MedGen C0268548, MONDO:0008814, OMIM 207800.

Submission:

Myriad Genetics, Inc.
Classification: Likely pathogenic for Arginase deficiency. Last evaluated: 2022-01-25. Review status: criteria provided, single submitter. Criteria: Myriad Women's Health Autosomal Recessive and X-Linked Classification Criteria (2021). Collection method: clinical testing. Allele origin: unknown.
Comment: NM_000045.3(ARG1):c.148_149ins14(Y50Ffs*3) is expected to be pathogenic in the context of argininemia. This variant is predicted to lead to an abnormal or absent protein product due to the creation of a premature termination codon in ARG1, a gene where loss-of-function variants are known to be pathogenic. Please note: this variant was assessed in the context of healthy population screening.